The following is an entry in ClinVar:

ClinVar aggregate classification (germline): Uncertain significance. Review status: criteria provided, multiple submitters, no conflicts (2 of 4 stars). 2 submissions from 2 submitters: Uncertain significance (2). Last evaluated 2025-03-17.

Conditions:
Inborn genetic diseases. Identifiers: MedGen C0950123, MeSH D030342.

Allele frequency attached by ClinVar (database versions not stated): TOPMed below 0.00001; gnomAD 0.00001.

Submissions (2):

Ambry Genetics
Classification: Uncertain significance for Inborn genetic diseases. Last evaluated: 2025-03-17. Review status: criteria provided, single submitter. Criteria: Ambry Variant Classification Scheme 2023. Collection method: clinical testing. Allele origin: germline.
Comment: The p.N1116D variant (also known as c.3346A>G), located in coding exon 1 of the SAMD9L gene, results from an A to G substitution at nucleotide position 3346. The asparagine at codon 1116 is replaced by aspartic acid, an amino acid with highly similar properties. This amino acid position is conserved. In addition, this alteration is predicted to be tolerated by in silico analysis. Based on the available evidence, the clinical significance of this variant remains unclear.

Labcorp Genetics (formerly Invitae), Labcorp
Classification: Uncertain significance. Last evaluated: 2022-03-06. Review status: criteria provided, single submitter. Criteria: Invitae Variant Classification Sherloc (09022015). Collection method: clinical testing. Allele origin: germline.
Comment: This sequence change replaces asparagine, which is neutral and polar, with aspartic acid, which is acidic and polar, at codon 1116 of the SAMD9L protein (p.Asn1116Asp). This variant is not present in population databases (gnomAD no frequency). This variant has not been reported in the literature in individuals affected with SAMD9L-related conditions. Algorithms developed to predict the effect of missense changes on protein structure and function are either unavailable or do not agree on the potential impact of this missense change (SIFT: "Not Available"; PolyPhen-2: "Probably Damaging"; Align-GVGD: "Not Available"). In summary, the available evidence is currently insufficient to determine the role of this variant in disease. Therefore, it has been classified as a Variant of Uncertain Significance.

NM_152703.5(SAMD9L):c.3346A>G (p.Asn1116Asp)

Gene: SAMD9L (sterile alpha motif domain containing 9 like; minus strand). Cytogenetic location: 7q21.2.
Variant type: single nucleotide variant.
Coding change: c.3346A>G on transcript NM_152703.5 (MANE Select); coding-DNA position 3346, A replaced by G.
Protein change: p.Asn1116Asp; replaces asparagine 1116 with aspartic acid.
Molecular consequence: missense variant.
Genome position (GRCh38, 1-based): chr7:93,132,626, T>C on the plus strand (A>G on the coding strand, the complement: SAMD9L is on the minus strand). VCF-style: chr7-93132626-T-C. GRCh37 (hg19) VCF-style: chr7-92761939-T-C.
Other names: c.3346A>G (NM_152703.2); c.3346A>G, p.Asn1116Asp (NM_001303496.3, NM_001303497.3, NM_001303498.3 and 5 more transcripts); short protein forms N1116D.
Identifiers: ClinVar variation 2107441 (VCV002107441.5), dbSNP rs1792177941, ClinGen allele CA368183264.
Genomic context (GRCh38, chr7:93,132,626, plus strand): 5'-CCAACCACCATTTGATTTCACTTTTGTAGACTTGACCTAGTGTATCTGAAATATAGGAAT[T>C]TTTAGGTGCTTTCATTTTGGCCTGACGTGCCCAGTCCAGAGCTGTGTTAAAGTCCTTCTC-3'
Protein context (NP_689916.2, residues 1106-1126): ARQAKMKAPK[Asn1116Asp]SYISDTLGQV